The following is an entry in ClinVar:

ClinVar aggregate classification (germline): Uncertain significance (1 of 4 stars; one submission).

gnomAD v4.1: 1 of 1,205,904 alleles (0.000083%); highest among the groups gnomAD compares: African/African-American, 0.0017%; no homozygotes.

Submission:

GeneDx
Classification: Uncertain significance. Last evaluated: 2023-08-03. Review status: criteria provided, single submitter. Criteria: GeneDx Variant Classification Process June 2021. Collection method: clinical testing. Allele origin: germline. Affected: yes.
Comment: In silico analysis supports that this missense variant does not alter protein structure/function; Has not been previously published as pathogenic or benign to our knowledge

NM_153252.5(BRWD3):c.1300T>A (p.Tyr434Asn)

Gene: BRWD3 (bromodomain and WD repeat domain containing 3; minus strand). Cytogenetic location: Xq21.1.
Variant type: single nucleotide variant.
Coding change: c.1300T>A on transcript NM_153252.5 (MANE Select); coding-DNA position 1300, T replaced by A.
Protein change: p.Tyr434Asn; replaces tyrosine 434 with asparagine.
Molecular consequence: missense variant.
Genome position (GRCh38, 1-based): chrX:80,728,838, A>T on the plus strand (T>A on the coding strand, the complement: BRWD3 is on the minus strand). VCF-style: chrX-80728838-A-T. GRCh37 (hg19) VCF-style: chrX-79984337-A-T.
Other names: short protein forms Y434N.
Identifiers: ClinVar variation 3361882 (VCV003361882.1).